The following is an entry in ClinVar:

ClinVar aggregate classification (germline): Pathogenic (1 of 4 stars; one submission).

Conditions:
Epilepsy, familial focal, with variable foci 1 (FFEVF1). Also called: DEPDC5-Related Epilepsy. Identifiers: MedGen C4551983, MONDO:0024556, OMIM 604364.

Submission:

Institute of Human Genetics, University of Leipzig Medical Center
Classification: Pathogenic for Epilepsy, familial focal, with variable foci 1. Last evaluated: 2024-12-09. Review status: criteria provided, single submitter. Criteria: ACMG Guidelines, 2015. Collection method: clinical testing. Allele origin: unknown. Inheritance: Autosomal dominant inheritance. Affected: yes.
Comment: Criteria applied: PVS1,PM2

NM_001242896.3(DEPDC5):c.4204-2A>G

Gene: DEPDC5 (DEP domain containing 5, GATOR1 subcomplex subunit; plus strand). Cytogenetic location: 22q12.3.
Variant type: single nucleotide variant.
Coding change: c.4204-2A>G on transcript NM_001242896.3 (MANE Select); the canonical splice acceptor site of the intron before coding-DNA position 4204, A replaced by G.
Molecular consequence: splice acceptor variant.
Genome position (GRCh38, 1-based): chr22:31,897,480, A>G. VCF-style: chr22-31897480-A-G. GRCh37 (hg19) VCF-style: chr22-32293466-A-G.
Other names: c.4204-2A>G (NM_001364318.2); c.4177-2A>G (NM_001136029.4); c.4111-2A>G (NM_014662.6, NM_001369903.1); c.4138-2A>G (NM_001363852.2, NM_001364320.2); c.3970-2A>G (NM_001363854.2, NM_001364319.2); c.3904-2A>G (NM_001242897.2); c.4120-2A>G (NM_001369902.1, NM_001369901.1).
Identifiers: ClinVar variation 3572905 (VCV003572905.2).
Genomic context (GRCh38, chr22:31,897,480, plus strand): 5'-GTATTTTCTCTTGTTTGAAAGAACTTGGAGATGATATTGTTTGTTTCTGTACTTTCCGCC[A>G]GGTCCAAGGTTGGCATCGGAAAGCCACCTCCTGTGGCTTCTTGTTAGTCCCAGTTTTGGA-3'